The following is an entry in ClinVar:

ClinVar aggregate classification (germline): Uncertain significance (1 of 4 stars; one submission).

gnomAD v4.1: 1 of 1,613,990 alleles (0.000062%); no homozygotes.

Submission:

Labcorp Genetics (formerly Invitae), Labcorp
Classification: Uncertain significance. Last evaluated: 2022-04-23. Review status: criteria provided, single submitter. Criteria: Invitae Variant Classification Sherloc (09022015). Collection method: clinical testing. Allele origin: germline.
Comment: In summary, the available evidence is currently insufficient to determine the role of this variant in disease. Therefore, it has been classified as a Variant of Uncertain Significance. Algorithms developed to predict the effect of missense changes on protein structure and function are either unavailable or do not agree on the potential impact of this missense change (SIFT: "Deleterious"; PolyPhen-2: "Benign"; Align-GVGD: "Class C0"). This variant has not been reported in the literature in individuals affected with POLR3A-related conditions. This variant is not present in population databases (gnomAD no frequency). This sequence change replaces valine, which is neutral and non-polar, with methionine, which is neutral and non-polar, at codon 1165 of the POLR3A protein (p.Val1165Met).

NM_007055.4(POLR3A):c.3493G>A (p.Val1165Met)

Gene: POLR3A (RNA polymerase III subunit A; minus strand). Cytogenetic location: 10q22.3.
Variant type: single nucleotide variant.
Coding change: c.3493G>A on transcript NM_007055.4 (MANE Select); coding-DNA position 3493, G replaced by A.
Protein change: p.Val1165Met; replaces valine 1165 with methionine.
Molecular consequence: missense variant.
Genome position (GRCh38, 1-based): chr10:77,982,754, C>T on the plus strand (G>A on the coding strand, the complement: POLR3A is on the minus strand). VCF-style: chr10-77982754-C-T. GRCh37 (hg19) VCF-style: chr10-79742512-C-T.
Other names: short protein forms V1165M.
Identifiers: ClinVar variation 2129778 (VCV002129778.4), dbSNP rs2493185427, ClinGen allele CA377328082.
Genomic context (GRCh38, chr10:77,982,754, plus strand): 5'-TGGAGCTCTTGCTGTTCTCTCTGGGGGTGACACACACCACAGCCTCACCATGAACAGCCA[C>T]ATCACCGGGCTTCACACGGAGCTTGGATGTGCAGATGGAATATCTCACTGTCTCAGCGTT-3'
Protein context (NP_008986.2, residues 1155-1175): TSKLRVKPGD[Val1165Met]AVHGEAVVCV